The following is an entry in ClinVar:

ClinVar aggregate classification (germline): Uncertain significance. Review status: criteria provided, multiple submitters, no conflicts (2 of 4 stars). 2 submissions from 2 submitters: Uncertain significance (2). Last evaluated 2026-04-07.

Allele frequency attached by ClinVar (database versions not stated): gnomAD exomes below 0.00001.
gnomAD v4.1: 2 of 1,614,146 alleles (0.00012%); highest among the groups gnomAD compares: East Asian, 0.0022%; no homozygotes.

Submissions (2):

Women's Health and Genetics/Laboratory Corporation of America, LabCorp
Classification: Uncertain significance. Last evaluated: 2026-04-07. Review status: criteria provided, single submitter. Criteria: LabCorp Variant Classification Summary - May 2015. Collection method: clinical testing. Allele origin: germline.
Comment: Variant summary: PCDH15 c.4159T>C (p.Cys1387Arg) results in a non-conservative amino acid change in the encoded protein sequence. Algorithms developed to predict the effect of missense changes on protein structure and function are either unavailable or do not agree on the potential impact of this missense change. The variant was absent in 251482 control chromosomes. The available data on variant occurrences in the general population are insufficient to allow any conclusion about variant significance. c.4159T>C has been observed in individual(s) affected with non-syndromic hearing loss and/or Usher syndrome (e.g. Moteki_2016, Internal data). These data do not allow any conclusion about variant significance. To our knowledge, no experimental evidence demonstrating an impact on protein function has been reported. The following publications have been ascertained in the context of this evaluation (PMID: 26346818). ClinVar contains an entry for this variant (Variation ID: 2735399). Based on the evidence outlined above, the variant was classified as uncertain significance.

Labcorp Genetics (formerly Invitae), Labcorp
Classification: Uncertain significance. Last evaluated: 2023-02-28. Review status: criteria provided, single submitter. Criteria: Invitae Variant Classification Sherloc (09022015). Collection method: clinical testing. Allele origin: germline.
Comment: In summary, the available evidence is currently insufficient to determine the role of this variant in disease. Therefore, it has been classified as a Variant of Uncertain Significance. Advanced modeling of protein sequence and biophysical properties (such as structural, functional, and spatial information, amino acid conservation, physicochemical variation, residue mobility, and thermodynamic stability) performed at Invitae indicates that this missense variant is expected to disrupt PCDH15 protein function. This variant is also known as c.4174T>C . This missense change has been observed in individual(s) with non-syndromic deafness and/or Usher syndrome (PMID: 26346818; Invitae). This variant is not present in population databases (gnomAD no frequency). This sequence change replaces cysteine, which is neutral and slightly polar, with arginine, which is basic and polar, at codon 1387 of the PCDH15 protein (p.Cys1387Arg).

Literature cited by the submitters: PubMed 26346818 (cited by Women's Health and Genetics/Laboratory Corporation of America, LabCorp and Labcorp Genetics (formerly Invitae), Labcorp).

NM_001384140.1(PCDH15):c.4159T>C (p.Cys1387Arg)

Gene: PCDH15 (protocadherin related 15; minus strand). Cytogenetic location: 10q21.1.
Variant type: single nucleotide variant.
Coding change: c.4159T>C on transcript NM_001384140.1 (MANE Select); coding-DNA position 4159, T replaced by C.
Protein change: p.Cys1387Arg; replaces cysteine 1387 with arginine.
Molecular consequence: missense variant.
Genome position (GRCh38, 1-based): chr10:53,831,358, A>G on the plus strand (T>C on the coding strand, the complement: PCDH15 is on the minus strand). VCF-style: chr10-53831358-A-G. GRCh37 (hg19) VCF-style: chr10-55591118-A-G.
Other names: c.4174T>C, p.Cys1392Arg (NM_001142763.2, NM_001142771.2); c.4159T>C, p.Cys1387Arg (NM_001142764.2, NM_001142766.2, NM_001142770.3 and 4 more transcripts); c.3946T>C, p.Cys1316Arg (NM_001142765.2); c.4048T>C, p.Cys1350Arg (NM_001142767.2); c.4093T>C, p.Cys1365Arg (NM_001142768.2, NM_001142773.2, NM_001354404.2); c.4195T>C, p.Cys1399Arg (NM_001142769.4); c.4180T>C, p.Cys1394Arg (NM_001354411.2); short protein forms C1316R, C1365R, C1392R, C1394R, C1350R, C1399R, C1387R.
Identifiers: ClinVar variation 2735399 (VCV002735399.4), dbSNP rs2132634868, ClinGen allele CA376528262.
Genomic context (GRCh38, chr10:53,831,358, plus strand): 5'-CATCCTTGAATACTTACTGTCTGTAGCTGACCAAAACCACCAAGATGGCAGGAATGCAGC[A>G]GAGGATGATGATGAAGGCCAGAGCCAACAAGGCCCCTTCTGTGTATCCTAGACTTTCTCC-3'
Protein context (NP_001371069.1, residues 1377-1397): LLALAFIIIL[Cys1387Arg]CIPAILVVLV